The following is an entry in ClinVar:

ClinVar aggregate classification (germline): Uncertain significance. Review status: criteria provided, multiple submitters, no conflicts (2 of 4 stars). 3 submissions from 3 submitters: Uncertain significance (3). Last evaluated 2026-01-18.

Submissions (3):

Labcorp Genetics (formerly Invitae), Labcorp
Classification: Uncertain significance. Last evaluated: 2026-01-18. Review status: criteria provided, single submitter. Criteria: Invitae Variant Classification Sherloc (09022015). Collection method: clinical testing. Allele origin: germline.
Comment: This sequence change creates a premature translational stop signal (p.Ser952Hisfs*2) in the SAMD9L gene. While this is not anticipated to result in nonsense mediated decay, it is expected to disrupt the last 633 amino acid(s) of the SAMD9L protein. This variant is present in population databases (rs755283987, gnomAD 0.01%). This premature translational stop signal has been observed in individual(s) with bone marrow failure (PMID: 29146883). Experimental studies and prediction algorithms are not available or were not evaluated, and the functional significance of this variant is currently unknown. In summary, the available evidence is currently insufficient to determine the role of this variant in disease. Therefore, it has been classified as a Variant of Uncertain Significance.

GeneDx
Classification: Uncertain significance. Last evaluated: 2023-04-26. Review status: criteria provided, single submitter. Criteria: GeneDx Variant Classification Process June 2021. Collection method: clinical testing. Allele origin: germline. Affected: yes.
Comment: Frameshift variant predicted to result in protein truncation or nonsense mediated decay in a gene or region of a gene for which loss of function is not a well-established mechanism of disease; Not observed at significant frequency in large population cohorts (gnomAD); Observed in an individual with bone marrow failure (Bluteau et al., 2018); This variant is associated with the following publications: (PMID: 29146883, 28545555)

Blueprint Genetics
Classification: Uncertain significance. Last evaluated: 2022-02-03. Review status: criteria provided, single submitter. Criteria: ACMG Guidelines, 2015. Collection method: clinical testing. Allele origin: germline.

Literature cited by the submitters: PubMed 29146883 (cited by Labcorp Genetics (formerly Invitae), Labcorp).

NM_152703.5(SAMD9L):c.2849_2852dup (p.Ser952fs)

Gene: SAMD9L (sterile alpha motif domain containing 9 like; minus strand). Cytogenetic location: 7q21.2.
Variant type: Microsatellite.
Coding change: c.2849_2852dup on transcript NM_152703.5 (MANE Select); coding-DNA positions 2849 to 2852, 4 bases duplicated (ACAC; older notation c.2849_2852dupACAC).
Protein change: p.Ser952fs; shifts the reading frame from serine 952.
Molecular consequence: frameshift variant.
Genome position (GRCh38, 1-based): chr7:93,133,120-93,133,123, GTGT duplicated on the plus strand (ACAC on the coding strand, the reverse complement: SAMD9L is on the minus strand). VCF-style (leftmost placement, unchanged base first): chr7-93133119-A-AGTGT. GRCh37 (hg19) VCF-style: chr7-92762432-A-AGTGT.
Other names: c.2849_2852dup (NM_152703.3); c.2849_2852dup, p.Ser952fs (NM_001303496.3, NM_001303497.3, NM_001303498.3 and 5 more transcripts); short protein forms S952fs.
Identifiers: ClinVar variation 1496546 (VCV001496546.10), dbSNP rs755283987, ClinGen allele CA4343540.